The following is an entry in ClinVar:

NM_138691.3(TMC1):c.1114G>A (p.Val372Met)

Gene: TMC1 (transmembrane channel like 1; plus strand). Cytogenetic location: 9q21.13.
Variant type: single nucleotide variant.
Coding change: c.1114G>A on transcript NM_138691.3 (MANE Select); coding-DNA position 1114, G replaced by A.
Protein change: p.Val372Met; replaces valine 372 with methionine.
Molecular consequence: missense variant.
Genome position (GRCh38, 1-based): chr9:72,789,207, G>A. VCF-style: chr9-72789207-G-A. GRCh37 (hg19) VCF-style: chr9-75404123-G-A.
Other names: short protein forms V372M.
Identifiers: ClinVar variation 287884 (VCV000287884.24), dbSNP rs367924428, ClinGen allele CA5081875.

ClinVar aggregate classification (germline): Conflicting classifications of pathogenicity. Review status: criteria provided, conflicting classifications (1 of 4 stars). 9 submissions from 9 submitters: Pathogenic (3); Likely pathogenic (4); Uncertain significance (1). 1 of the submissions does not count toward it. Last evaluated 2026-09-16.

Conditions:
Hearing loss, autosomal recessive. Also called: Deafness, autosomal recessive; Autosomal recessive nonsyndromic deafness; Rare autosomal recessive non-syndromic sensorineural deafness type DFNB; Nonsyndromic Hearing Loss, Recessive. Identifiers: Orphanet 90635, Orphanet 90636, MedGen C1846647, MONDO:0019588, OMIM 607197.
Nonsyndromic genetic hearing loss. Also called: Nonsyndromic genetic deafness; Nonsyndromic hearing loss and deafness; Non-syndromic genetic deafness. Identifiers: Orphanet 87884, MedGen C5680182, MONDO:0019497.
Autosomal recessive nonsyndromic hearing loss 7. Also called: DEAFNESS, AUTOSOMAL RECESSIVE 11. Identifiers: Orphanet 90636, MedGen C1832978, MONDO:0010967, OMIM 600974.
Autosomal dominant nonsyndromic hearing loss 36. Identifiers: Orphanet 90635, MedGen C1847626, MONDO:0011708, OMIM 606705.
TMC1-related disorder. Also called: TMC1-related disorders; TMC1-related condition.

Allele frequency attached by ClinVar (database versions not stated): gnomAD 0.00005 and 0.00006; TOPMed 0.00005; gnomAD exomes 0.00006 and 0.00007; ExAC 0.00007; ESP Exome Variant Server 0.00015.
gnomAD v4.1: 113 of 1,613,794 alleles (0.007%); highest among the groups gnomAD compares: South Asian, 0.024%; no homozygotes.

Submissions (9):

Institute of Rare Diseases, West China Hospital, Sichuan University
Classification: Pathogenic for Autosomal recessive nonsyndromic hearing loss 7. Last evaluated: 2026-09-16. Review status: criteria provided, single submitter. Criteria: ClinGen HL ACMG Specifications v1. Collection method: research. Allele origin: germline. Affected: yes.
Comment: This c.1114G>A is a missense variant, which replaces neutral non‑polar valine with neutral non‑polar methionine at codon 372 of TMC1 protein(p.Val372Met). This variant is observed in population databases ( gnomAD allele frequency 0.02%)(PM2_Supporting); It has been identified in individuals with autosomal recessive non‑syndromic deafness in compound heterozygous state(PMID:16134132,PMID:24416283,PMID:24949729)(PM3_Strong). In‑silico functional prediction supports deleterious effect of this variant(PP3).ACMG classification: Likely pathogenic(PM2_Supporting,PM3_Strong,PP3).

PreventionGenetics, part of Exact Sciences
Classification: Likely pathogenic for TMC1-related condition. Last evaluated: 2026-08-20. Review status: criteria provided, single submitter. Criteria: ACMG Guidelines, 2015. Collection method: clinical testing. Allele origin: germline.
Comment: The TMC1 c.1114G>A variant is predicted to result in the amino acid substitution p.Val372Met. This variant has been reported in the homozygous state in multiple individuals and families of Pakistani and Indian ancestry with autosomal recessive deafness (Santos et al. 2005. PubMed ID: 16134132; Ganapathy et al. 2014. PubMed ID: 24416283; Table S1, Shafique et al. 2014. PubMed ID: 24949729; Rehman et al. 2014. PubMed ID: 25491636; Table S4, Richard et al. 2018. PubMed ID: 30303587). This variant is reported in 0.023% of alleles in individuals of South Asian descent in gnomAD. This variant is interpreted as likely pathogenic.

Women's Health and Genetics/Laboratory Corporation of America, LabCorp
Classification: Pathogenic for Nonsyndromic genetic hearing loss. Last evaluated: 2025-01-20. Review status: criteria provided, single submitter. Criteria: LabCorp Variant Classification Summary - May 2015. Collection method: clinical testing. Allele origin: germline.
Comment: Variant summary: TMC1 c.1114G>A (p.Val372Met) results in a conservative amino acid change in the encoded protein sequence. Four of five in-silico tools predict a damaging effect of the variant on protein function. The variant allele was found at a frequency of 5.6e-05 in 251238 control chromosomes. This frequency is not significantly higher than estimated for a pathogenic variant in TMC1 causing Nonsyndromic Hearing Loss And Deafness, Type 7 (5.6e-05 vs 0.0011), allowing no conclusion about variant significance. c.1114G>A has been reported in the literature in multiple individuals affected with Nonsyndromic Hearing Loss And Deafness, Type 7 (example, Rehman_2014, Shafique_2014). These data indicate that the variant is very likely to be associated with disease. To our knowledge, no experimental evidence demonstrating an impact on protein function has been reported. The following publications have been ascertained in the context of this evaluation (PMID: 25491636, 24949729). ClinVar contains an entry for this variant (Variation ID: 287884). Based on the evidence outlined above, the variant was classified as pathogenic.

Blueprint Genetics
Classification: Pathogenic for TMC1-related disorders. Last evaluated: 2024-04-29. Review status: criteria provided, single submitter. Criteria: ACMG Guidelines, 2015. Collection method: clinical testing. Allele origin: germline. Affected: yes. Observed: 5 variant alleles.

Fulgent Genetics
Classification: Likely pathogenic for Autosomal recessive nonsyndromic hearing loss 7; Autosomal dominant nonsyndromic hearing loss 36. Last evaluated: 2024-04-01. Review status: criteria provided, single submitter. Criteria: ACMG Guidelines, 2015. Collection method: clinical testing. Allele origin: germline.

Labcorp Genetics (formerly Invitae), Labcorp
Classification: Likely pathogenic. Last evaluated: 2024-03-01. Review status: criteria provided, single submitter. Criteria: Invitae Variant Classification Sherloc (09022015). Collection method: clinical testing. Allele origin: germline.
Comment: This sequence change replaces valine, which is neutral and non-polar, with methionine, which is neutral and non-polar, at codon 372 of the TMC1 protein (p.Val372Met). This variant is present in population databases (rs367924428, gnomAD 0.02%). This missense change has been observed in individuals with autosomal recessive nonsyndromic deafness (PMID: 16134132, 24416283, 24949729). ClinVar contains an entry for this variant (Variation ID: 287884). Advanced modeling of protein sequence and biophysical properties (such as structural, functional, and spatial information, amino acid conservation, physicochemical variation, residue mobility, and thermodynamic stability) has been performed at Invitae for this missense variant, however the output from this modeling did not meet the statistical confidence thresholds required to predict the impact of this variant on TMC1 protein function. In summary, the currently available evidence indicates that the variant is pathogenic, but additional data are needed to prove that conclusively. Therefore, this variant has been classified as Likely Pathogenic.

GeneDx
Classification: Uncertain significance. Last evaluated: 2023-11-13. Review status: criteria provided, single submitter. Criteria: GeneDx Variant Classification Process June 2021. Collection method: clinical testing. Allele origin: germline. Affected: yes.
Comment: In silico analysis supports that this missense variant does not alter protein structure/function; This variant is associated with the following publications: (PMID: 26226225, 16134132, 24416283, 24949729)

Eurofins Ntd Llc (ga)
Classification: Likely pathogenic. Last evaluated: 2018-04-17. Review status: criteria provided, single submitter. Criteria: EGL ClinVar v180209 classification definitions. Collection method: clinical testing. Allele origin: germline. Observed: 2 variant alleles, 2 heterozygotes.

University of Washington Center for Mendelian Genomics, University of Washington
Classification: Likely pathogenic for non-syndromic autosomal recessive hearing loss. Review status: no assertion criteria provided. Collection method: research. Allele origin: inherited. Affected: yes. Not counted in ClinVar's aggregate classification.

Literature cited by the submitters: PubMed 16134132 (cited by 3 submitters); PubMed 24416283 (cited by 3 submitters); PubMed 24949729 (cited by 4 submitters); PubMed 25491636 (cited by Women's Health and Genetics/Laboratory Corporation of America, LabCorp); PubMed 30303587 (cited by University of Washington Center for Mendelian Genomics, University of Washington).